The following is an entry in ClinVar:

NM_001845.6(COL4A1):c.2458+10A>G

Gene: COL4A1 (collagen type IV alpha 1 chain; minus strand). Cytogenetic location: 13q34.
Variant type: single nucleotide variant.
Coding change: c.2458+10A>G on transcript NM_001845.6 (MANE Select); 10 bases into the intron after coding-DNA position 2458, A replaced by G.
Molecular consequence: intron variant.
Genome position (GRCh38, 1-based): chr13:110,178,913, T>C on the plus strand (A>G on the coding strand, the complement: COL4A1 is on the minus strand). VCF-style: chr13-110178913-T-C. GRCh37 (hg19) VCF-style: chr13-110831260-T-C.
Other names: c.2458+10A>G (NM_001845.5).
Identifiers: ClinVar variation 2180961 (VCV002180961.6), dbSNP rs376627658, ClinGen allele CA7047593.

ClinVar aggregate classification (germline): Likely benign. Review status: criteria provided, multiple submitters, no conflicts (2 of 4 stars). 3 submissions from 3 submitters: Likely benign (3). Last evaluated 2025-11-25.

Conditions:
COL4A1-related disorder. Also called: COL4A1-related condition; COL4A1-related disorders. Identifiers: MedGen CN376119, MONDO:0800461.

Allele frequency attached by ClinVar (database versions not stated): gnomAD 0.00001; TOPMed 0.00001; ESP Exome Variant Server 0.00008.
gnomAD v4.1: 4 of 1,598,856 alleles (0.00025%); highest among the groups gnomAD compares: Middle Eastern, 0.017%; no homozygotes.

Submissions (3):

PreventionGenetics, part of Exact Sciences
Classification: Likely benign for COL4A1-related condition. Last evaluated: 2025-11-25. Review status: criteria provided, single submitter. Criteria: ACMG Guidelines, 2015. Collection method: clinical testing. Allele origin: germline.
Comment: This variant is classified as likely benign based on ACMG/AMP sequence variant interpretation guidelines (Richards et al. 2015 PMID: 25741868, with internal and published modifications).

Labcorp Genetics (formerly Invitae), Labcorp
Classification: Likely benign. Last evaluated: 2024-09-13. Review status: criteria provided, single submitter. Criteria: Invitae Variant Classification Sherloc (09022015). Collection method: clinical testing. Allele origin: germline.

Blueprint Genetics
Classification: Likely benign. Last evaluated: 2020-03-17. Review status: criteria provided, single submitter. Criteria: ACMG Guidelines, 2015. Collection method: clinical testing. Allele origin: germline.